The following is an entry in ClinVar:

NM_025137.4(SPG11):c.5866+10G>A

Gene: SPG11 (SPG11 vesicle trafficking associated, spatacsin; minus strand). Cytogenetic location: 15q21.1.
Variant type: single nucleotide variant.
Coding change: c.5866+10G>A on transcript NM_025137.4 (MANE Select); 10 bases into the intron after coding-DNA position 5866, G replaced by A.
Molecular consequence: intron variant.
Genome position (GRCh38, 1-based): chr15:44,583,804, C>T on the plus strand (G>A on the coding strand, the complement: SPG11 is on the minus strand). VCF-style: chr15-44583804-C-T. GRCh37 (hg19) VCF-style: chr15-44876002-C-T.
Other names: c.5866+10G>A (NM_025137.3, NM_001160227.2).
Identifiers: ClinVar variation 1133396 (VCV001133396.10), dbSNP rs375944318, ClinGen allele CA7534331.

ClinVar aggregate classification (germline): Likely benign. Review status: criteria provided, multiple submitters, no conflicts (2 of 4 stars). 2 submissions from 2 submitters: Likely benign (2). Last evaluated 2026-09-03.

Conditions:
SPG11-related disorder. Also called: SPG11-related condition.
Hereditary spastic paraplegia 11. Also called: Spastic Paraplegia 11; Nakamura Osame syndrome; Autosomal recessive hereditary spastic paraplegia, mental impairment, and thin corpus callosum; Spastic paraplegia, mental retardation and thin corpus callosum; SPASTIC PARAPLEGIA, AUTOSOMAL RECESSIVE, COMPLICATED, WITH THIN CORPUS CALLOSUM; SPASTIC PARAPLEGIA, AUTOSOMAL RECESSIVE, WITH MENTAL IMPAIRMENT AND THIN CORPUS CALLOSUM. Identifiers: Orphanet 2822, MedGen C1858479, MONDO:0011445, OMIM 604360.

Allele frequency attached by ClinVar (database versions not stated): gnomAD exomes 0.00001; gnomAD 0.00005 and 0.00006; ESP Exome Variant Server 0.00008; TOPMed 0.00021; ExAC 0.00001.
gnomAD v4.1: 20 of 1,614,020 alleles (0.0012%); highest among the groups gnomAD compares: Admixed American, 0.023%; no homozygotes.

Submissions (2):

PreventionGenetics, part of Exact Sciences
Classification: Likely benign for SPG11-related condition. Last evaluated: 2026-09-03. Review status: criteria provided, single submitter. Criteria: ACMG Guidelines, 2015. Collection method: clinical testing. Allele origin: germline.
Comment: This variant is classified as likely benign based on ACMG/AMP sequence variant interpretation guidelines (Richards et al. 2015 PMID: 25741868, with internal and published modifications).

Labcorp Genetics (formerly Invitae), Labcorp
Classification: Likely benign for Hereditary spastic paraplegia 11. Last evaluated: 2026-01-19. Review status: criteria provided, single submitter. Criteria: Invitae Variant Classification Sherloc (09022015). Collection method: clinical testing. Allele origin: germline.